The following is an entry in ClinVar:

ClinVar aggregate classification (germline): Uncertain significance (1 of 4 stars; one submission).

Conditions:
ALG1-congenital disorder of glycosylation. Also called: ALG1-CDG; CONGENITAL DISORDER OF GLYCOSYLATION, TYPE Ik; CDG Ik. Identifiers: Orphanet 79327, MedGen C2931005, MONDO:0012052, OMIM 608540.

Allele frequency attached by ClinVar (database versions not stated): gnomAD 0.00001; TOPMed 0.00001.
gnomAD v4.1: 4 of 1,596,260 alleles (0.00025%); highest among the groups gnomAD compares: African/African-American, 0.004%; no homozygotes.

Submission:

Labcorp Genetics (formerly Invitae), Labcorp
Classification: Uncertain significance for ALG1-congenital disorder of glycosylation. Last evaluated: 2024-08-06. Review status: criteria provided, single submitter. Criteria: Invitae Variant Classification Sherloc (09022015). Collection method: clinical testing. Allele origin: germline.
Comment: This sequence change replaces threonine, which is neutral and polar, with isoleucine, which is neutral and non-polar, at codon 345 of the ALG1 protein (p.Thr345Ile). This variant is present in population databases (no rsID available, gnomAD 0.01%). This variant has not been reported in the literature in individuals affected with ALG1-related conditions. ClinVar contains an entry for this variant (Variation ID: 2171978). Advanced modeling of protein sequence and biophysical properties (such as structural, functional, and spatial information, amino acid conservation, physicochemical variation, residue mobility, and thermodynamic stability) performed at Invitae indicates that this missense variant is expected to disrupt ALG1 protein function with a positive predictive value of 80%. In summary, the available evidence is currently insufficient to determine the role of this variant in disease. Therefore, it has been classified as a Variant of Uncertain Significance.

NM_019109.5(ALG1):c.1034C>T (p.Thr345Ile)

Gene: ALG1 (ALG1 chitobiosyldiphosphodolichol beta-mannosyltransferase; plus strand). Cytogenetic location: 16p13.3.
Variant type: single nucleotide variant.
Coding change: c.1034C>T on transcript NM_019109.5 (MANE Select); coding-DNA position 1034, C replaced by T.
Protein change: p.Thr345Ile; replaces threonine 345 with isoleucine.
Molecular consequence: missense variant.
Genome position (GRCh38, 1-based): chr16:5,081,018, C>T. VCF-style: chr16-5081018-C-T. GRCh37 (hg19) VCF-style: chr16-5131019-C-T.
Other names: c.701C>T, p.Thr234Ile (NM_001330504.2); short protein forms T234I, T345I.
Identifiers: ClinVar variation 2171978 (VCV002171978.2), dbSNP rs1168786787, ClinGen allele CA394673006.